The following is an entry in ClinVar:

NM_004415.4(DSP):c.6187C>T (p.Arg2063Trp)

Gene: DSP (desmoplakin; plus strand). Cytogenetic location: 6p24.3.
Variant type: single nucleotide variant.
Coding change: c.6187C>T on transcript NM_004415.4 (MANE Select); coding-DNA position 6187, C replaced by T.
Protein change: p.Arg2063Trp; replaces arginine 2063 with tryptophan.
Molecular consequence: missense variant.
Genome position (GRCh38, 1-based): chr6:7,583,449, C>T. VCF-style: chr6-7583449-C-T. GRCh37 (hg19) VCF-style: chr6-7583682-C-T.
Other names: c.6187C>T (LRG_423t1); c.4390C>T, p.Arg1464Trp (NM_001008844.3); c.4858C>T, p.Arg1620Trp (NM_001319034.2); short protein forms R2063W, R1464W, R1620W.
Identifiers: ClinVar variation 628679 (VCV000628679.15), dbSNP rs374090050, ClinGen allele CA047006.
Genomic context (GRCh38, chr6:7,583,449, plus strand): 5'-GAATCCACAGTCATGCTTCTGGAGGCCCAGGCAGCTACAGGTGGTATAATTGATCCCCAT[C>T]GGAATGAGAAGCTGACTGTCGACAGTGCCATAGCTCGGGACCTCATTGACTTCGATGACC-3'
Protein context (NP_004406.2, residues 2053-2073): AATGGIIDPH[Arg2063Trp]NEKLTVDSAI

ClinVar aggregate classification (germline): Conflicting classifications of pathogenicity. Review status: criteria provided, conflicting classifications (1 of 4 stars). 5 submissions from 5 submitters: Uncertain significance (4); Likely benign (1). Last evaluated 2025-06-24.

Conditions:
Cardiovascular phenotype. Identifiers: MedGen CN230736.
Arrhythmogenic cardiomyopathy with wooly hair and keratoderma. Also called: PALMOPLANTAR KERATODERMA WITH LEFT VENTRICULAR CARDIOMYOPATHY AND WOOLLY HAIR; Carvajal syndrome; Dilated cardiomyopathy with woolly hair and keratoderma; Arrhythmogenic cardiomyopathy with woolly hair and keratoderma. Identifiers: Orphanet 65282, MedGen C1854063, MONDO:0011581, OMIM 605676.
Arrhythmogenic right ventricular dysplasia 8 (ARVD8). Also called: ARRHYTHMOGENIC RIGHT VENTRICULAR DYSPLASIA, FAMILIAL, 8; ARRHYTHMOGENIC RIGHT VENTRICULAR CARDIOMYOPATHY 8; Arrhythmogenic Right Ventricular Dysplasia/Cardiomyopathy 8. Identifiers: MedGen C1843896, MONDO:0011831, OMIM 607450.
Cardiomyopathy (CMYO). Also called: Cardiomyopathies. Identifiers: Orphanet 167848, MedGen C0878544, MONDO:0004994, HP:0001638. Inheritance: Various modes of inheritance.
Woolly hair-skin fragility syndrome (WHSF). Identifiers: Orphanet 293165, MedGen C1843292, MONDO:0957307, OMIM 620415.
Cardiomyopathy, dilated, with wooly hair, keratoderma, and tooth agenesis. Also called: Cardiomyopathy, dilated, with woolly hair, keratoderma, and tooth agenesis; Erythrokeratodermia-cardiomyopathy syndrome. Identifiers: Orphanet 476096, Orphanet 65282, MedGen C4014393, MONDO:0014355, OMIM 615821.
Lethal acantholytic epidermolysis bullosa (EBLA). Identifiers: Orphanet 158687, MedGen C1864826, MONDO:0012323, OMIM 609638.
Keratosis palmoplantaris striata 2. Also called: KERATODERMA, PALMOPLANTAR, STRIATE FORM II; STRIATE PALMOPLANTAR KERATODERMA II; Keratosis palmoplantaris striata II. Identifiers: MedGen C1852127, MONDO:0013034, OMIM 612908.

Allele frequency attached by ClinVar (database versions not stated): TOPMed 0.00002.

Submissions (5):

Color Diagnostics, LLC DBA Color Health
Classification: Uncertain significance for Cardiomyopathy. Last evaluated: 2025-06-24. Review status: criteria provided, single submitter. Criteria: ACMG Guidelines, 2015. Collection method: clinical testing. Allele origin: germline.
Comment: This missense variant replaces arginine with tryptophan at codon 2063 of the DSP protein. Computational prediction is inconclusive regarding the impact of this variant on protein structure and function. To our knowledge, functional studies have not been reported for this variant. This variant has been reported in an individual affected with cardiomyopathy or arrhythmia (PMID: 33954932). This variant has been identified in 1/250498 chromosomes in the general population by the Genome Aggregation Database (gnomAD). The available evidence is insufficient to determine the role of this variant in disease conclusively. Therefore, this variant is classified as a Variant of Uncertain Significance.

Labcorp Genetics (formerly Invitae), Labcorp
Classification: Likely benign for Arrhythmogenic cardiomyopathy with wooly hair and keratoderma; Arrhythmogenic right ventricular dysplasia 8. Last evaluated: 2024-06-18. Review status: criteria provided, single submitter. Criteria: Invitae Variant Classification Sherloc (09022015). Collection method: clinical testing. Allele origin: germline.

All of Us Research Program, National Institutes of Health
Classification: Uncertain significance for Arrhythmogenic cardiomyopathy with wooly hair and keratoderma. Last evaluated: 2023-09-17. Review status: criteria provided, single submitter. Criteria: ACMG Guidelines, 2015. Collection method: clinical testing. Allele origin: germline. Inheritance: Autosomal dominant inheritance. Observed: 3 variant alleles, 3 heterozygotes.
Comment: This missense variant replaces arginine with tryptophan at codon 2063 of the DSP protein. Computational prediction is inconclusive regarding the impact of this variant on protein structure and function (internally defined REVEL score threshold 0.5 < inconclusive < 0.7, PMID: 27666373). To our knowledge, functional studies have not been reported for this variant. This variant has not been reported in individuals affected with DSP-related disorders in the literature. This variant has been identified in 1/250498 chromosomes in the general population by the Genome Aggregation Database (gnomAD). The available evidence is insufficient to determine the role of this variant in disease conclusively. Therefore, this variant is classified as a Variant of Uncertain Significance.

This study involves interpretation of variants in research participants for the purpose of population health screening. Participant phenotype was not available at the time of variant classification. Additional details can be found in publication PMID: 35346344, PMCID: PMC8962531

Ambry Genetics
Classification: Uncertain significance for Cardiovascular phenotype. Last evaluated: 2022-11-01. Review status: criteria provided, single submitter. Criteria: Ambry Variant Classification Scheme 2023. Collection method: clinical testing. Allele origin: germline.
Comment: The p.R2063W variant (also known as c.6187C>T), located in coding exon 24 of the DSP gene, results from a C to T substitution at nucleotide position 6187. The arginine at codon 2063 is replaced by tryptophan, an amino acid with dissimilar properties. This amino acid position is not well conserved in available vertebrate species. In addition, the in silico prediction for this alteration is inconclusive. Since supporting evidence is limited at this time, the clinical significance of this alteration remains unclear.

Fulgent Genetics
Classification: Uncertain significance for Arrhythmogenic cardiomyopathy with wooly hair and keratoderma; Arrhythmogenic right ventricular dysplasia 8; Lethal acantholytic epidermolysis bullosa; Keratosis palmoplantaris striata 2; Cardiomyopathy, dilated, with wooly hair, keratoderma, and tooth agenesis. Last evaluated: 2021-11-11. Review status: criteria provided, single submitter. Criteria: ACMG Guidelines, 2015. Collection method: clinical testing. Allele origin: unknown.

Literature cited by the submitters: PubMed 33954932 (cited by Color Diagnostics, LLC DBA Color Health).